The following is an entry in ClinVar:

NM_004393.6(DAG1):c.1817C>T (p.Ala606Val)

Gene: DAG1 (dystroglycan 1; plus strand). Cytogenetic location: 3p21.31.
Variant type: single nucleotide variant.
Coding change: c.1817C>T on transcript NM_004393.6 (MANE Select); coding-DNA position 1817, C replaced by T.
Protein change: p.Ala606Val; replaces alanine 606 with valine.
Molecular consequence: missense variant.
Genome position (GRCh38, 1-based): chr3:49,532,328, C>T. VCF-style: chr3-49532328-C-T. GRCh37 (hg19) VCF-style: chr3-49569761-C-T.
Other names: c.1817C>T, p.Ala606Val (NM_001165928.4, NM_001177634.3, NM_001177635.3 and 9 more transcripts); short protein forms A606V.
Identifiers: ClinVar variation 2418360 (VCV002418360.7), dbSNP rs2472642180, ClinGen allele CA352796206.
Genomic context (GRCh38, chr3:49,532,328, plus strand): 5'-CGGCTGTGGATGCCTTCGAGATCCACGTCCACAGGCGCCCCCAAGGGGATAGGGCTCCTG[C>T]AAGGTTCAAGGCCAAGTTTGTGGGTGACCCGGCACTGGTGTTGAATGACATCCACAAGAA-3'
Protein context (NP_004384.5, residues 596-616): HRRPQGDRAP[Ala606Val]RFKAKFVGDP

ClinVar aggregate classification (germline): Uncertain significance (1 of 4 stars; one submission).

Conditions:
Autosomal recessive limb-girdle muscular dystrophy type 2P. Also called: MUSCULAR DYSTROPHY-DYSTROGLYCANOPATHY, LIMB-GIRDLE, DAG1-RELATED; Limb-Girdle Muscular Dystrophy Type 9C; MUSCULAR DYSTROPHY, LIMB-GIRDLE, TYPE 2P. Identifiers: Orphanet 280333, MedGen C4511963, MONDO:0013440, OMIM 613818.
Muscular dystrophy-dystroglycanopathy (congenital with brain and eye anomalies), type A9. Also called: WALKER-WARBURG SYNDROME OR MUSCLE-EYE BRAIN DISEASE, DAG1-RELATED; Muscular dystrophy-dystroglycanopathy (congenital with brain and eye anomalies), type a, 9. Identifiers: Orphanet 370997, Orphanet 899, MedGen C4225291, MONDO:0014683, OMIM 616538.

Submission:

Labcorp Genetics (formerly Invitae), Labcorp
Classification: Uncertain significance for Autosomal recessive limb-girdle muscular dystrophy type 2P; Muscular dystrophy-dystroglycanopathy (congenital with brain and eye anomalies), type A9. Last evaluated: 2024-09-23. Review status: criteria provided, single submitter. Criteria: Invitae Variant Classification Sherloc (09022015). Collection method: clinical testing. Allele origin: germline.
Comment: This sequence change replaces alanine, which is neutral and non-polar, with valine, which is neutral and non-polar, at codon 606 of the DAG1 protein (p.Ala606Val). This variant is not present in population databases (gnomAD no frequency). This variant has not been reported in the literature in individuals affected with DAG1-related conditions. ClinVar contains an entry for this variant (Variation ID: 2418360). Invitae Evidence Modeling of protein sequence and biophysical properties (such as structural, functional, and spatial information, amino acid conservation, physicochemical variation, residue mobility, and thermodynamic stability) indicates that this missense variant is not expected to disrupt DAG1 protein function with a negative predictive value of 80%. In summary, the available evidence is currently insufficient to determine the role of this variant in disease. Therefore, it has been classified as a Variant of Uncertain Significance.